The following is an entry in ClinVar:

NM_006208.3(ENPP1):c.*3528C>T

Gene: ENPP1 (ectonucleotide pyrophosphatase/phosphodiesterase 1; plus strand). Cytogenetic location: 6q23.2.
Variant type: single nucleotide variant.
Coding change: c.*3528C>T on transcript NM_006208.3 (MANE Select); 3528 bases downstream of the stop codon, C replaced by T.
Molecular consequence: 3 prime UTR variant.
Genome position (GRCh38, 1-based): chr6:131,894,039, C>T. VCF-style: chr6-131894039-C-T. GRCh37 (hg19) VCF-style: chr6-132215179-C-T.
Identifiers: ClinVar variation 355419 (VCV000355419.5), dbSNP rs557822175, ClinGen allele CA10625982.

ClinVar aggregate classification (germline): Likely benign. Review status: criteria provided, single submitter (1 of 4 stars). 2 submissions from 1 submitter: Likely benign (2). Last evaluated 2018-01-12.

Conditions:
Hypophosphatemic rickets, autosomal recessive, 2 (ARHR2). Identifiers: Orphanet 289176, MedGen C2750078, MONDO:0013219, OMIM 613312.
Arterial calcification, generalized, of infancy, 1 (GACI1). Also called: Idiopathic Infantile Arterial Calcification. Identifiers: Orphanet 51608, MedGen C4551985, MONDO:0008817, OMIM 208000.

Allele frequency attached by ClinVar (database versions not stated): gnomAD 0.00161 and 0.00189; TOPMed 0.00171; 1000 Genomes Project 30x 0.00219; 1000 Genomes Project 0.00240.

Submissions (2):

Illumina Laboratory Services, Illumina
Classification: Likely benign for Hypophosphatemic rickets, autosomal recessive, 2. Last evaluated: 2018-01-12. Review status: criteria provided, single submitter. Criteria: ICSL Variant Classification Criteria 13 December 2019. Collection method: clinical testing. Allele origin: germline.
Comment: This variant was observed in the ICSL laboratory as part of a predisposition screen in an ostensibly healthy population. It had not been previously curated by ICSL or reported in the Human Gene Mutation Database (HGMD: prior to June 1st, 2018), and was therefore a candidate for classification through an automated scoring system. Utilizing variant allele frequency, disease prevalence and penetrance estimates, and inheritance mode, an automated score was calculated to assess if this variant is too frequent to cause the disease. Based on the score and internal cut-off values, a variant classified as likely benign is not then subjected to further curation. The score for this variant resulted in a classification of likely benign for this disease.

Illumina Laboratory Services, Illumina
Classification: Likely benign for Arterial calcification, generalized, of infancy, 1. Last evaluated: 2018-01-12. Review status: criteria provided, single submitter. Criteria: ICSL Variant Classification Criteria 13 December 2019. Collection method: clinical testing. Allele origin: germline.
Comment: the same text as in the submission from Illumina Laboratory Services, Illumina above.